The following is an entry in ClinVar:

NM_000051.4(ATM):c.3520T>G (p.Phe1174Val)

Gene: ATM (ATM serine/threonine kinase; plus strand). Cytogenetic location: 11q22.3.
Variant type: single nucleotide variant.
Coding change: c.3520T>G on transcript NM_000051.4 (MANE Select); coding-DNA position 3520, T replaced by G.
Protein change: p.Phe1174Val; replaces phenylalanine 1174 with valine.
Molecular consequence: missense variant.
Genome position (GRCh38, 1-based): chr11:108,281,112, T>G. VCF-style: chr11-108281112-T-G. GRCh37 (hg19) VCF-style: chr11-108151839-T-G.
Other names: c.3520T>G, p.Phe1174Val (NM_001351834.2); short protein forms F1174V.
Identifiers: ClinVar variation 479067 (VCV000479067.20), dbSNP rs547400704, ClinGen allele CA6265303.

ClinVar aggregate classification (germline): Uncertain significance. Review status: criteria provided, multiple submitters, no conflicts (2 of 4 stars). 4 submissions from 4 submitters: Uncertain significance (3). 1 of the submissions does not count toward it. Last evaluated 2024-03-06.

Conditions:
Hereditary cancer-predisposing syndrome. Also called: Tumor predisposition; Neoplastic Syndromes, Hereditary; Hereditary Cancer Syndrome; Hereditary neoplastic syndrome. Identifiers: Orphanet 140162, MedGen C0027672, MeSH D009386, MONDO:0015356.
Ataxia-telangiectasia syndrome (AT). Also called: Cerebello-oculocutaneous telangiectasia; Immunodeficiency with ataxia telangiectasia; ATAXIA-TELANGIECTASIA, COMPLEMENTATION GROUP A; Ataxia-telangiectasia, complementation group D; AT, COMPLEMENTATION GROUP C; ATAXIA-TELANGIECTASIA, FRESNO VARIANT. Identifiers: Orphanet 100, MedGen C0004135, MONDO:0008840, OMIM 208900.

Allele frequency attached by ClinVar (database versions not stated): gnomAD exomes below 0.00001 and 0.00001; ExAC 0.00001.
gnomAD v4.1: 3 of 1,614,052 alleles (0.00019%); highest among the groups gnomAD compares: South Asian, 0.0011%; no homozygotes.

Submissions (4):

Color Diagnostics, LLC DBA Color Health
Classification: Uncertain significance for Hereditary cancer-predisposing syndrome. Last evaluated: 2024-03-06. Review status: criteria provided, single submitter. Criteria: ACMG Guidelines, 2015. Collection method: clinical testing. Allele origin: germline.
Comment: This missense variant replaces phenylalanine with valine at codon 1174 of the ATM protein. Computational prediction is inconclusive regarding the impact of this variant on protein structure and function (internally defined REVEL score threshold 0.5 < inconclusive < 0.7, PMID: 27666373). Splice site prediction tools suggest that this variant may not impact RNA splicing. To our knowledge, functional studies have not been performed for this variant. This variant has not been reported in individuals affected with hereditary cancer in the literature. This variant has been identified in 2/251380 chromosomes in the general population by the Genome Aggregation Database (gnomAD). The available evidence is insufficient to determine the role of this variant in disease conclusively. Therefore, this variant is classified as a Variant of Uncertain Significance.

Labcorp Genetics (formerly Invitae), Labcorp
Classification: Uncertain significance for Ataxia-telangiectasia syndrome. Last evaluated: 2024-02-26. Review status: criteria provided, single submitter. Criteria: Invitae Variant Classification Sherloc (09022015). Collection method: clinical testing. Allele origin: germline.
Comment: This sequence change replaces phenylalanine, which is neutral and non-polar, with valine, which is neutral and non-polar, at codon 1174 of the ATM protein (p.Phe1174Val). This variant is present in population databases (rs547400704, gnomAD 0.003%). This variant has not been reported in the literature in individuals affected with ATM-related conditions. ClinVar contains an entry for this variant (Variation ID: 479067). An algorithm developed to predict the effect of missense changes on protein structure and function (PolyPhen-2) suggests that this variant is likely to be disruptive. In summary, the available evidence is currently insufficient to determine the role of this variant in disease. Therefore, it has been classified as a Variant of Uncertain Significance.

Ambry Genetics
Classification: Uncertain significance for Hereditary cancer-predisposing syndrome. Last evaluated: 2017-01-11. Review status: criteria provided, single submitter. Criteria: Ambry Variant Classification Scheme 2023. Collection method: clinical testing. Allele origin: germline.
Comment: The p.F1174V variant (also known as c.3520T>G), located in coding exon 23 of the ATM gene, results from a T to G substitution at nucleotide position 3520. The phenylalanine at codon 1174 is replaced by valine, an amino acid with highly similar properties. This amino acid position is highly conserved in available vertebrate species. In addition, this alteration is predicted to be deleterious by in silico analysis. Since supporting evidence is limited at this time, the clinical significance of this alteration remains unclear.

Natera, Inc.
Classification: Uncertain significance for Ataxia-telangiectasia. Last evaluated: 2020-01-24. Review status: no assertion criteria provided. Collection method: clinical testing. Allele origin: germline. Not counted in ClinVar's aggregate classification.